The following is an entry in ClinVar:

ClinVar aggregate classification (germline): Uncertain significance (1 of 4 stars; one submission).

Allele frequency attached by ClinVar (database versions not stated): gnomAD exomes below 0.00001 and 0.00001; TOPMed below 0.00001; ExAC 0.00001; gnomAD 0.00001.
gnomAD v4.1: 9 of 1,613,972 alleles (0.00056%); highest among the groups gnomAD compares: Non-Finnish European, 0.00059%; no homozygotes.

Submission:

Laboratory for Molecular Medicine, Mass General Brigham Personalized Medicine
Classification: Uncertain significance. Last evaluated: 2018-10-10. Review status: criteria provided, single submitter. Criteria: LMM Criteria. Collection method: clinical testing. Allele origin: germline. Observed: 1 variant allele.
Comment: The p.Val175Met variant in OTOF has not been previously reported in individuals with auditory neuropathy spectrum disorder, but has been identified in 2/111710 European chromosomes by gnomAD. Computational prediction tools and conservation analysis suggest that this variant may impact the protein, though this information is not predictive enough to determine path ogenicity. In summary, the clinical significance of this variant is uncertain. A CMG/AMP Criteria applied: PM2, PP3.

NM_194248.3(OTOF):c.523G>A (p.Val175Met)

Genes: OTOF (otoferlin; minus strand), LOC129933336 (ATAC-STARR-seq lymphoblastoid silent region 11274; plus strand). Cytogenetic location: 2p23.3.
Variant type: single nucleotide variant.
Coding change: c.523G>A on transcript NM_194248.3 (MANE Select); coding-DNA position 523, G replaced by A.
Protein change: p.Val175Met; replaces valine 175 with methionine.
Molecular consequence: missense variant.
Genome position (GRCh38, 1-based): chr2:26,503,832, C>T on the plus strand (G>A on the coding strand, the complement: OTOF is on the minus strand). VCF-style: chr2-26503832-C-T. GRCh37 (hg19) VCF-style: chr2-26726700-C-T.
Other names: c.523G>A, p.Val175Met (NM_001287489.2); short protein forms V175M.
Identifiers: ClinVar variation 666894 (VCV000666894.4), dbSNP rs765791956, ClinGen allele CA1564613.